The following is an entry in ClinVar:

ClinVar aggregate classification (germline): Uncertain significance (1 of 4 stars; one submission).

Submission:

Labcorp Genetics (formerly Invitae), Labcorp
Classification: Uncertain significance. Last evaluated: 2023-04-10. Review status: criteria provided, single submitter. Criteria: Invitae Variant Classification Sherloc (09022015). Collection method: clinical testing. Allele origin: germline.
Comment: In summary, the available evidence is currently insufficient to determine the role of this variant in disease. Therefore, it has been classified as a Variant of Uncertain Significance. Advanced modeling of protein sequence and biophysical properties (such as structural, functional, and spatial information, amino acid conservation, physicochemical variation, residue mobility, and thermodynamic stability) performed at Invitae indicates that this missense variant is not expected to disrupt ACTN1 protein function. This variant has not been reported in the literature in individuals affected with ACTN1-related conditions. This variant is not present in population databases (gnomAD no frequency). This sequence change replaces glutamic acid, which is acidic and polar, with aspartic acid, which is acidic and polar, at codon 543 of the ACTN1 protein (p.Glu543Asp).

NM_001130004.2(ACTN1):c.1629G>C (p.Glu543Asp)

Gene: ACTN1 (actinin alpha 1; minus strand). Cytogenetic location: 14q24.1.
Variant type: single nucleotide variant.
Coding change: c.1629G>C on transcript NM_001130004.2 (MANE Select); coding-DNA position 1629, G replaced by C.
Protein change: p.Glu543Asp; replaces glutamic acid 543 with aspartic acid.
Molecular consequence: missense variant.
Genome position (GRCh38, 1-based): chr14:68,884,174, C>G on the plus strand (G>C on the coding strand, the complement: ACTN1 is on the minus strand). VCF-style: chr14-68884174-C-G. GRCh37 (hg19) VCF-style: chr14-69350891-C-G.
Other names: c.1716G>C, p.Glu572Asp (NM_001424015.1); c.1653G>C, p.Glu551Asp (NM_001424016.1, NM_001411035.1); c.1626G>C, p.Glu542Asp (NM_001424017.1); c.1590G>C, p.Glu530Asp (NM_001424018.1); c.1629G>C, p.Glu543Asp (NM_001424019.1, NM_001424023.1, NM_001424024.1 and 7 more transcripts); c.1566G>C, p.Glu522Asp (NM_001424020.1, NM_001424022.1); c.1560G>C, p.Glu520Asp (NM_001424021.1); c.1434G>C, p.Glu478Asp (NM_001411036.1, NM_001424026.1, NM_001424028.1); and 2 more; short protein forms E522D, E551D, E585D, E478D, E530D, E542D, E268D, E520D.
Identifiers: ClinVar variation 2854821 (VCV002854821.3), dbSNP rs2503255745, ClinGen allele CA390184063.